The following is an entry in ClinVar:

ClinVar aggregate classification (germline): Uncertain significance (1 of 4 stars; one submission).

gnomAD v4.1: 5 of 1,614,256 alleles (0.00031%); highest among the groups gnomAD compares: Non-Finnish European, 0.00042%; no homozygotes.

Submission:

Labcorp Genetics (formerly Invitae), Labcorp
Classification: Uncertain significance. Last evaluated: 2020-07-01. Review status: criteria provided, single submitter. Criteria: Invitae Variant Classification Sherloc (09022015). Collection method: clinical testing. Allele origin: germline.
Comment: In summary, the available evidence is currently insufficient to determine the role of this variant in disease. Therefore, it has been classified as a Variant of Uncertain Significance. Algorithms developed to predict the effect of missense changes on protein structure and function output the following: SIFT: "Tolerated"; PolyPhen-2: "Benign"; Align-GVGD: "Class C0". The glutamine amino acid residue is found in multiple mammalian species, suggesting that this missense change does not adversely affect protein function. These predictions have not been confirmed by published functional studies and their clinical significance is uncertain. This variant has not been reported in the literature in individuals with CDHR1-related conditions. This variant is not present in population databases (ExAC no frequency). This sequence change replaces glutamic acid with glutamine at codon 655 of the CDHR1 protein (p.Glu655Gln). The glutamic acid residue is weakly conserved and there is a small physicochemical difference between glutamic acid and glutamine.

NM_033100.4(CDHR1):c.1963G>C (p.Glu655Gln)

Gene: CDHR1 (cadherin related family member 1; plus strand). Cytogenetic location: 10q23.1.
Variant type: single nucleotide variant.
Coding change: c.1963G>C on transcript NM_033100.4 (MANE Select); coding-DNA position 1963, G replaced by C.
Protein change: p.Glu655Gln; replaces glutamic acid 655 with glutamine.
Molecular consequence: missense variant.
Genome position (GRCh38, 1-based): chr10:84,213,271, G>C. VCF-style: chr10-84213271-G-C. GRCh37 (hg19) VCF-style: chr10-85973027-G-C.
Other names: c.1963G>C, p.Glu655Gln (NM_001171971.3); short protein forms E655Q.
Identifiers: ClinVar variation 1044495 (VCV001044495.8), dbSNP rs767718465, ClinGen allele CA210387167.